The following is an entry in ClinVar:

ClinVar aggregate classification (germline): Uncertain significance. Review status: criteria provided, multiple submitters, no conflicts (2 of 4 stars). 2 submissions from 2 submitters: Uncertain significance (2). Last evaluated 2025-12-30.

Conditions:
Inborn genetic diseases. Identifiers: MedGen C0950123, MeSH D030342.

Allele frequency attached by ClinVar (database versions not stated): gnomAD 0.00001; TOPMed 0.00002; ExAC 0.00007.
gnomAD v4.1: 30 of 1,613,934 alleles (0.0019%); highest among the groups gnomAD compares: Admixed American, 0.028%; no homozygotes.

Submissions (2):

Labcorp Genetics (formerly Invitae), Labcorp
Classification: Uncertain significance. Last evaluated: 2025-12-30. Review status: criteria provided, single submitter. Criteria: Invitae Variant Classification Sherloc (09022015). Collection method: clinical testing. Allele origin: germline.
Comment: This sequence change replaces asparagine, which is neutral and polar, with aspartic acid, which is acidic and polar, at codon 249 of the FNIP1 protein (p.Asn249Asp). This variant is present in population databases (rs202099819, gnomAD 0.04%). This variant has not been reported in the literature in individuals affected with FNIP1-related conditions. ClinVar contains an entry for this variant (Variation ID: 2256376). An algorithm developed to predict the effect of missense changes on protein structure and function (PolyPhen-2) suggests that this variant is likely to be tolerated. In summary, the available evidence is currently insufficient to determine the role of this variant in disease. Therefore, it has been classified as a Variant of Uncertain Significance.

Ambry Genetics
Classification: Uncertain significance for Inborn genetic diseases. Last evaluated: 2021-10-22. Review status: criteria provided, single submitter. Criteria: Ambry Variant Classification Scheme 2023. Collection method: clinical testing. Allele origin: germline.

NM_133372.3(FNIP1):c.745A>G (p.Asn249Asp)

Gene: FNIP1 (folliculin interacting protein 1; minus strand). Cytogenetic location: 5q31.1.
Variant type: single nucleotide variant.
Coding change: c.745A>G on transcript NM_133372.3 (MANE Select); coding-DNA position 745, A replaced by G.
Protein change: p.Asn249Asp; replaces asparagine 249 with aspartic acid.
Molecular consequence: missense variant.
Genome position (GRCh38, 1-based): chr5:131,709,234, T>C on the plus strand (A>G on the coding strand, the complement: FNIP1 is on the minus strand). VCF-style: chr5-131709234-T-C. GRCh37 (hg19) VCF-style: chr5-131044927-T-C.
Other names: c.661A>G, p.Asn221Asp (NM_001008738.3); c.745A>G, p.Asn249Asp (NM_001346113.2); c.610A>G, p.Asn204Asp (NM_001346114.2); short protein forms N249D, N221D, N204D.
Identifiers: ClinVar variation 2256376 (VCV002256376.3), dbSNP rs202099819, ClinGen allele CA3400822.